The following is an entry in ClinVar:

NM_001378030.1(CCDC78):c.94G>A (p.Ala32Thr)

Gene: CCDC78 (coiled-coil domain containing 78; minus strand). Cytogenetic location: 16p13.3.
Variant type: single nucleotide variant.
Coding change: c.94G>A on transcript NM_001378030.1 (MANE Select); coding-DNA position 94, G replaced by A.
Protein change: p.Ala32Thr; replaces alanine 32 with threonine.
Molecular consequence: missense variant. On other transcripts: 5 prime UTR variant (1), non-coding transcript variant (5).
Genome position (GRCh38, 1-based): chr16:726,052, C>T on the plus strand (G>A on the coding strand, the complement: CCDC78 is on the minus strand). VCF-style: chr16-726052-C-T. GRCh37 (hg19) VCF-style: chr16-776052-C-T.
Other names: c.94G>A, p.Ala32Thr (NM_001031737.3, NM_001378031.1); c.-192G>A (NM_001378033.1); short protein forms A32T.
Identifiers: ClinVar variation 2767950 (VCV002767950.3), dbSNP rs56119795, ClinGen allele CA276521079.

ClinVar aggregate classification (germline): Uncertain significance (1 of 4 stars; one submission).

Conditions:
Congenital myopathy with internal nuclei and atypical cores. Also called: Myopathy, centronuclear, 4. Identifiers: Orphanet 319160, MedGen C4707232, MONDO:0013890, OMIM 614807.

Submission:

Labcorp Genetics (formerly Invitae), Labcorp
Classification: Uncertain significance for Congenital myopathy with internal nuclei and atypical cores. Last evaluated: 2022-11-06. Review status: criteria provided, single submitter. Criteria: Invitae Variant Classification Sherloc (09022015). Collection method: clinical testing. Allele origin: germline.
Comment: This variant has not been reported in the literature in individuals affected with CCDC78-related conditions. Advanced modeling of protein sequence and biophysical properties (such as structural, functional, and spatial information, amino acid conservation, physicochemical variation, residue mobility, and thermodynamic stability) performed at Invitae indicates that this missense variant is not expected to disrupt CCDC78 protein function. In summary, the available evidence is currently insufficient to determine the role of this variant in disease. Therefore, it has been classified as a Variant of Uncertain Significance. This variant is not present in population databases (gnomAD no frequency). This sequence change replaces alanine, which is neutral and non-polar, with threonine, which is neutral and polar, at codon 32 of the CCDC78 protein (p.Ala32Thr).